The following is an entry in ClinVar:

ClinVar aggregate classification (germline): Uncertain significance (1 of 4 stars; one submission).

Conditions:
Familial adenomatous polyposis 1 (FAP1). Also called: FAMILIAL ADENOMATOUS POLYPOSIS 1, ATTENUATED; POLYPOSIS, ADENOMATOUS INTESTINAL. Identifiers: MedGen C2713442, MONDO:0021056, OMIM 175100. Disease mechanism: loss of function.

Allele frequency attached by ClinVar (database versions not stated): gnomAD exomes 0.00001.

Submission:

Labcorp Genetics (formerly Invitae), Labcorp
Classification: Uncertain significance for Familial adenomatous polyposis 1. Last evaluated: 2023-07-17. Review status: criteria provided, single submitter. Criteria: Invitae Variant Classification Sherloc (09022015). Collection method: clinical testing. Allele origin: germline.
Comment: In summary, the available evidence is currently insufficient to determine the role of this variant in disease. Therefore, it has been classified as a Variant of Uncertain Significance. Experimental studies and prediction algorithms are not available or were not evaluated, and the functional significance of this variant is currently unknown. This variant has not been reported in the literature in individuals affected with APC-related conditions. This variant is not present in population databases (gnomAD no frequency). This variant occurs in a non-coding region of the APC gene. It does not change the encoded amino acid sequence of the APC protein.

NC_000005.10:g.112707361C>A

Gene: APC (APC regulator of Wnt signaling pathway; plus strand). Cytogenetic location: 5q22.2.
Variant type: single nucleotide variant.
Genome position: GRCh38 VCF-style: chr5-112707361-C-A. GRCh37 (hg19) VCF-style: chr5-112043058-C-A.
Identifiers: ClinVar variation 1034750 (VCV001034750.8), dbSNP rs1750551783, ClinGen allele CA1573442200.